The following is an entry in ClinVar:

ClinVar aggregate classification (germline): Benign (1 of 4 stars; one submission).

Allele frequency attached by ClinVar (database versions not stated): 1000 Genomes Project 0.45407; 1000 Genomes Project 30x 0.46268; gnomAD 0.46685 and 0.47341; TOPMed 0.47500.
gnomAD v4.1: 70,604 of 151,976 alleles (46%); highest among the groups gnomAD compares: African/African-American, 67%; 17,918 homozygotes.

Submission:

GeneDx
Classification: Benign. Last evaluated: 2018-06-14. Review status: criteria provided, single submitter. Criteria: GeneDx Variant Classification (06012015). Collection method: clinical testing. Allele origin: germline. Affected: yes.
Comment: This variant is considered likely benign or benign based on one or more of the following criteria: it is a conservative change, it occurs at a poorly conserved position in the protein, it is predicted to be benign by multiple in silico algorithms, and/or has population frequency not consistent with disease.

NM_015662.3(IFT172):c.1692+310A>G

Gene: IFT172 (intraflagellar transport 172; minus strand). Cytogenetic location: 2p23.3.
Variant type: single nucleotide variant.
Coding change: c.1692+310A>G on transcript NM_015662.3 (MANE Select); 310 bases into the intron after coding-DNA position 1692, A replaced by G.
Molecular consequence: intron variant.
Genome position (GRCh38, 1-based): chr2:27,470,618, T>C on the plus strand (A>G on the coding strand, the complement: IFT172 is on the minus strand). VCF-style: chr2-27470618-T-C. GRCh37 (hg19) VCF-style: chr2-27693485-T-C.
Identifiers: ClinVar variation 683618 (VCV000683618.1), dbSNP rs1647266, ClinGen allele CA11311045.